The following is an entry in ClinVar:

NM_000628.5(IL10RB):c.*85A>G

Genes: IL10RB (interleukin 10 receptor subunit beta; plus strand), IFNAR2-IL10RB (IFNAR2-IL10RB readthrough; plus strand). Cytogenetic location: 21q22.11.
Variant type: single nucleotide variant.
Coding change: c.*85A>G on transcript NM_000628.5 (MANE Select); 85 bases downstream of the stop codon, A replaced by G.
Molecular consequence: 3 prime UTR variant.
Genome position (GRCh38, 1-based): chr21:33,296,442, A>G. VCF-style: chr21-33296442-A-G. GRCh37 (hg19) VCF-style: chr21-34668747-A-G.
Identifiers: ClinVar variation 339698 (VCV000339698.8), dbSNP rs3171425, ClinGen allele CA10006316.
Genomic context (GRCh38, chr21:33,296,442, plus strand): 5'-CTGGGCACAGTGACGTACTCCATCTCACATCTGCCTCAGTGAGGGATCAGGGCAGCAAAC[A>G]AGGGCCAAGACCATCTGAGCCAGCCCCACATCTAGAACTCCCAGACCCTGGACTTAGCCA-3'

ClinVar aggregate classification (germline): Benign. Review status: criteria provided, multiple submitters, no conflicts (2 of 4 stars). 3 submissions from 3 submitters: Benign (3). Last evaluated 2023-11-12.

Conditions:
Inflammatory bowel disease 25. Also called: Inflammatory bowel disease 25, early onset, autosomal recessive. Identifiers: Orphanet 238569, MedGen C2675508, MONDO:0012941, OMIM 612567.

Allele frequency attached by ClinVar (database versions not stated): TOPMed 0.52546; gnomAD 0.52896 and 0.53727; 1000 Genomes Project 30x 0.55949; 1000 Genomes Project 0.56849; gnomAD exomes 0.60291; ExAC 0.63616.

Submissions (3):

Unidad de Genómica Garrahan, Hospital de Pediatría Garrahan
Classification: Benign. Last evaluated: 2023-11-12. Review status: criteria provided, single submitter. Criteria: ACMG Guidelines, 2015. Collection method: clinical testing. Allele origin: germline. Affected: no. Observed: 73 variant alleles.
Comment: This variant is classified as Benign based on local population frequency. This variant was detected in 76% of patients studied by a panel of primary immunodeficiencies. Number of patients: 73. Only high quality variants are reported.

Illumina Laboratory Services, Illumina
Classification: Benign for Inflammatory bowel disease 25. Last evaluated: 2018-01-13. Review status: criteria provided, single submitter. Criteria: ICSL Variant Classification Criteria 13 December 2019. Collection method: clinical testing. Allele origin: germline.
Comment: This variant was observed in the ICSL laboratory as part of a predisposition screen in an ostensibly healthy population. It had not been previously curated by ICSL or reported in the Human Gene Mutation Database (HGMD: prior to June 1st, 2018), and was therefore a candidate for classification through an automated scoring system. Utilizing variant allele frequency, disease prevalence and penetrance estimates, and inheritance mode, an automated score was calculated to assess if this variant is too frequent to cause the disease. Based on the score and internal cut-off values, a variant classified as benign is not then subjected to further curation. The score for this variant resulted in a classification of benign for this disease.

Breakthrough Genomics
Classification: Benign. Review status: criteria provided, single submitter. Criteria: ACMG Guidelines, 2015. Collection method: not provided. Allele origin: germline. Inheritance: Autosomal recessive inheritance. Affected: yes.